The following is an entry in ClinVar:

NM_000257.4(MYH7):c.5342G>T (p.Arg1781Leu)

Gene: MYH7 (myosin heavy chain 7; minus strand). Cytogenetic location: 14q11.2.
Variant type: single nucleotide variant.
Coding change: c.5342G>T on transcript NM_000257.4 (MANE Select); coding-DNA position 5342, G replaced by T.
Protein change: p.Arg1781Leu; replaces arginine 1781 with leucine.
Molecular consequence: missense variant.
Genome position (GRCh38, 1-based): chr14:23,415,212, C>A on the plus strand (G>T on the coding strand, the complement: MYH7 is on the minus strand). VCF-style: chr14-23415212-C-A. GRCh37 (hg19) VCF-style: chr14-23884421-C-A.
Other names: short protein forms R1781L.
Identifiers: ClinVar variation 1060994 (VCV001060994.10), dbSNP rs397516246, ClinGen allele CA389035775.

ClinVar aggregate classification (germline): Likely pathogenic. Review status: criteria provided, multiple submitters, no conflicts (2 of 4 stars). 2 submissions from 2 submitters: Likely pathogenic (2). Last evaluated 2025-02-19.

Conditions:
Hypertrophic cardiomyopathy 1 (CMH1). Also called: Familial hypertrophic cardiomyopathy 1; MYH7-Related Familial Hypertrophic Cardiomyopathy. Identifiers: MedGen C3495498, MONDO:0008647, OMIM 192600.
Hypertrophic cardiomyopathy. Also called: HYPERTROPHIC MYOCARDIOPATHY. Identifiers: Orphanet 217569, MedGen C0007194, MeSH D002312, MONDO:0005045, HP:0001639.

Submissions (2):

Human Genetics Bochum, Ruhr University Bochum
Classification: Likely pathogenic for Hypertrophic cardiomyopathy 1. Last evaluated: 2025-02-19. Review status: criteria provided, single submitter. Criteria: ACMG Guidelines, 2015. Collection method: clinical testing. Allele origin: germline. Affected: yes.
Comment: ACMG criteria used to clasify this variant: PM1, PM5, PP3_MOD, PM2_SUP, PP2

Labcorp Genetics (formerly Invitae), Labcorp
Classification: Likely pathogenic for Hypertrophic cardiomyopathy. Last evaluated: 2022-11-29. Review status: criteria provided, single submitter. Criteria: Invitae Variant Classification Sherloc (09022015). Collection method: clinical testing. Allele origin: germline.
Comment: This variant is not present in population databases (gnomAD no frequency). This sequence change replaces arginine, which is basic and polar, with leucine, which is neutral and non-polar, at codon 1781 of the MYH7 protein (p.Arg1781Leu). In summary, the currently available evidence indicates that the variant is pathogenic, but additional data are needed to prove that conclusively. Therefore, this variant has been classified as Likely Pathogenic. This variant disrupts the p.Arg1781 amino acid residue in MYH7. Other variant(s) that disrupt this residue have been determined to be pathogenic (PMID: 17125710, 27532257). This suggests that this residue is clinically significant, and that variants that disrupt this residue are likely to be disease-causing. Advanced modeling of protein sequence and biophysical properties (such as structural, functional, and spatial information, amino acid conservation, physicochemical variation, residue mobility, and thermodynamic stability) performed at Invitae indicates that this missense variant is expected to disrupt MYH7 protein function. ClinVar contains an entry for this variant (Variation ID: 1060994). This variant has not been reported in the literature in individuals affected with MYH7-related conditions.

Literature cited by the submitters: PubMed 17125710 (cited by Labcorp Genetics (formerly Invitae), Labcorp); PubMed 27532257 (cited by Labcorp Genetics (formerly Invitae), Labcorp).